The following is an entry in ClinVar:

NM_002890.3(RASA1):c.2690+4A>G

Genes: CCNH (cyclin H; minus strand), RASA1 (RAS p21 protein activator 1; plus strand). Cytogenetic location: 5q14.3.
Variant type: single nucleotide variant.
Coding change: c.2690+4A>G on transcript NM_002890.3 (MANE Select); 4 bases into the intron after coding-DNA position 2690, A replaced by G.
Molecular consequence: intron variant.
Genome position (GRCh38, 1-based): chr5:87,380,599, A>G. VCF-style: chr5-87380599-A-G. GRCh37 (hg19) VCF-style: chr5-86676416-A-G.
Other names: c.2159+4A>G (NM_022650.3); c.933+14445T>C (NM_001364075.2).
Identifiers: ClinVar variation 1394838 (VCV001394838.6), dbSNP rs2112500896, ClinGen allele CA2573139976.

ClinVar aggregate classification (germline): Uncertain significance (1 of 4 stars; one submission).

Conditions:
Capillary malformation-arteriovenous malformation syndrome. Also called: Capillary malformation-arteriovenous malformation. Identifiers: Orphanet 137667, MedGen C1842180, MONDO:0012016.

Submission:

Labcorp Genetics (formerly Invitae), Labcorp
Classification: Uncertain significance for Capillary malformation-arteriovenous malformation syndrome. Last evaluated: 2020-12-03. Review status: criteria provided, single submitter. Criteria: Invitae Variant Classification Sherloc (09022015). Collection method: clinical testing. Allele origin: germline.
Comment: This variant is not present in population databases (ExAC no frequency). In summary, the available evidence is currently insufficient to determine the role of this variant in disease. Therefore, it has been classified as a Variant of Uncertain Significance. Nucleotide substitutions within the consensus splice site are a relatively common cause of aberrant splicing (PMID: 17576681, 9536098). Algorithms developed to predict the effect of sequence changes on RNA splicing suggest that this variant may disrupt the consensus splice site, but this prediction has not been confirmed by published transcriptional studies. This variant has not been reported in the literature in individuals with RASA1-related conditions. This sequence change falls in intron 20 of the RASA1 gene. It does not directly change the encoded amino acid sequence of the RASA1 protein. It affects a nucleotide within the consensus splice site of the intron.

Literature cited by the submitters: PubMed 17576681; PubMed 9536098.